The following is an entry in ClinVar:

NM_004168.4(SDHA):c.1078G>C (p.Glu360Gln)

Gene: SDHA (succinate dehydrogenase complex flavoprotein subunit A; plus strand). Cytogenetic location: 5p15.33.
Variant type: single nucleotide variant.
Coding change: c.1078G>C on transcript NM_004168.4 (MANE Select); coding-DNA position 1078, G replaced by C.
Protein change: p.Glu360Gln; replaces glutamic acid 360 with glutamine.
Molecular consequence: missense variant.
Genome position (GRCh38, 1-based): chr5:235,157, G>C. VCF-style: chr5-235157-G-C. GRCh37 (hg19) VCF-style: chr5-235272-G-C.
Other names: c.934G>C, p.Glu312Gln (NM_001294332.2); c.1078G>C, p.Glu360Gln (NM_001330758.2); short protein forms E360Q, E312Q.
Identifiers: ClinVar variation 2938902 (VCV002938902.3), dbSNP rs766779919, ClinGen allele CA359013404.

ClinVar aggregate classification (germline): Uncertain significance (1 of 4 stars; one submission).

Conditions:
Mitochondrial complex II deficiency, nuclear type 1. Also called: SUCCINATE CoQ REDUCTASE DEFICIENCY. Identifiers: Orphanet 3208, MedGen C5700310, MONDO:0100294, OMIM 252011.
Pheochromocytoma/paraganglioma syndrome 5. Also called: Paragangliomas 5; SDHA-Related Hereditary Paraganglioma-Pheochromocytoma Syndrome. Identifiers: Orphanet 29072, MedGen C3279992, MONDO:0013602, OMIM 614165.

Submission:

Labcorp Genetics (formerly Invitae), Labcorp
Classification: Uncertain significance for Pheochromocytoma/paraganglioma syndrome 5; Mitochondrial complex II deficiency, nuclear type 1. Last evaluated: 2025-07-21. Review status: criteria provided, single submitter. Criteria: Invitae Variant Classification Sherloc (09022015). Collection method: clinical testing. Allele origin: germline.
Comment: This sequence change replaces glutamic acid, which is acidic and polar, with glutamine, which is neutral and polar, at codon 360 of the SDHA protein (p.Glu360Gln). This variant is not present in population databases (gnomAD no frequency). This variant has not been reported in the literature in individuals affected with SDHA-related conditions. ClinVar contains an entry for this variant (Variation ID: 2938902). Invitae Evidence Modeling of protein sequence and biophysical properties (such as structural, functional, and spatial information, amino acid conservation, physicochemical variation, residue mobility, and thermodynamic stability) indicates that this missense variant is not expected to disrupt SDHA protein function with a negative predictive value of 95%. In summary, the available evidence is currently insufficient to determine the role of this variant in disease. Therefore, it has been classified as a Variant of Uncertain Significance.